The following is an entry in ClinVar:

NM_001556.3(IKBKB):c.1083G>A (p.Leu361=)

Gene: IKBKB (inhibitor of nuclear factor kappa B kinase subunit beta; plus strand). Cytogenetic location: 8p11.21.
Variant type: single nucleotide variant.
Coding change: c.1083G>A on transcript NM_001556.3 (MANE Select); coding-DNA position 1083, G replaced by A.
Protein change: p.Leu361=; no amino-acid change (leucine 361 retained).
Molecular consequence: synonymous variant. On other transcripts: non-coding transcript variant (3).
Genome position (GRCh38, 1-based): chr8:42,316,862, G>A. VCF-style: chr8-42316862-G-A. GRCh37 (hg19) VCF-style: chr8-42174380-G-A.
Other names: p.Leu361=; c.891G>A, p.Leu297= (NM_001190720.3); c.906G>A, p.Leu302= (NM_001242778.2).
Identifiers: ClinVar variation 474788 (VCV000474788.14), dbSNP rs56230731, ClinGen allele CA4731873.
Genomic context (GRCh38, chr8:42,316,862, plus strand): 5'-ACAGGACACGGGCATCCCAGAGGAGGACCAGGAGCTGCTGCAGGAAGCGGGCCTGGCGTT[G>A]ATCCCCGATAAGCCTGCCACTCAGTGTATTTCAGACGGCAAGGTGAGCCCTGGCTTCGTA-3'
Protein context (NP_001547.1, residues 351-371): QELLQEAGLA[Leu361=]IPDKPATQCI

ClinVar aggregate classification (germline): Benign. Review status: criteria provided, multiple submitters, no conflicts (2 of 4 stars). 4 submissions from 4 submitters: Benign (4). Last evaluated 2026-02-01.

Conditions:
Severe combined immunodeficiency due to IKK2 deficiency. Also called: Immunodeficiency 15; IMMUNODEFICIENCY 15B. Identifiers: Orphanet 397787, MedGen C4747743, MONDO:0014267, OMIM 615592.

Allele frequency attached by ClinVar (database versions not stated): 1000 Genomes Project 30x 0.00359; 1000 Genomes Project 0.00379; TOPMed 0.00875; gnomAD exomes 0.00925 and 0.01327; ExAC 0.00967; gnomAD 0.00987 and 0.01028; ESP Exome Variant Server 0.01092.
gnomAD v4.1: 20,673 of 1,614,106 alleles (1.3%); highest among the groups gnomAD compares: Non-Finnish European, 1.6%; 185 homozygotes.

Submissions (4):

Labcorp Genetics (formerly Invitae), Labcorp
Classification: Benign for Severe combined immunodeficiency due to IKK2 deficiency. Last evaluated: 2026-02-01. Review status: criteria provided, single submitter. Criteria: Invitae Variant Classification Sherloc (09022015). Collection method: clinical testing. Allele origin: germline.

Women's Health and Genetics/Laboratory Corporation of America, LabCorp
Classification: Benign. Last evaluated: 2026-01-22. Review status: criteria provided, single submitter. Criteria: LabCorp Variant Classification Summary - May 2015. Collection method: clinical testing. Allele origin: germline.

Mayo Clinic Laboratories, Mayo Clinic
Classification: Benign. Last evaluated: 2025-08-12. Review status: criteria provided, single submitter. Criteria: ACMG Guidelines, 2015. Collection method: clinical testing. Allele origin: germline. Observed: 3 variant alleles.
Comment: BS1, BS2, BP4, BP7

Breakthrough Genomics
Classification: Benign. Review status: criteria provided, single submitter. Criteria: ACMG Guidelines, 2015. Collection method: not provided. Allele origin: germline. Inheritance: Autosomal recessive inheritance. Affected: yes.

Literature cited by the submitters: PubMed 11932336 (cited by Mayo Clinic Laboratories, Mayo Clinic).